The following is an entry in ClinVar:

ClinVar aggregate classification (germline): Pathogenic (1 of 4 stars; one submission).

Conditions:
Marfan syndrome (MFS). Also called: MARFAN SYNDROME, TYPE I; Marfan syndrome type 1; Marfan's syndrome; Marfan syndrome, classic; FBN1-Related Marfan Syndrome. Identifiers: Orphanet 284963, Orphanet 558, MedGen C0024796, MONDO:0007947, OMIM 154700.
Familial thoracic aortic aneurysm and aortic dissection (TAAD). Also called: Thoracic aortic aneurysms and dissections. Identifiers: Orphanet 91387, MedGen C4707243, MONDO:0019625.

Submission:

Labcorp Genetics (formerly Invitae), Labcorp
Classification: Pathogenic for Marfan syndrome; Familial thoracic aortic aneurysm and aortic dissection. Last evaluated: 2025-08-21. Review status: criteria provided, single submitter. Criteria: Invitae Variant Classification Sherloc (09022015). Collection method: clinical testing. Allele origin: germline.
Comment: This sequence change replaces cysteine, which is neutral and slightly polar, with tyrosine, which is neutral and polar, at codon 1687 of the FBN1 protein (p.Cys1687Tyr). This variant is not present in population databases (gnomAD no frequency). This missense change has been observed in individual(s) with clinical features of Marfan syndrome (PMID: 29848614, 34916231, 38190127; internal data). ClinVar contains an entry for this variant (Variation ID: 2927218). Invitae Evidence Modeling of protein sequence and biophysical properties (such as structural, functional, and spatial information, amino acid conservation, physicochemical variation, residue mobility, and thermodynamic stability) indicates that this missense variant is expected to disrupt FBN1 protein function with a positive predictive value of 95%. This variant affects a cysteine residue in the EGF-like, TGFBP or hybrid motif domains of FBN1. Cysteine residues are believed to be involved in intramolecular disulfide bridges and have been shown to be important for FBN1 protein structure (PMID: 16905551, 19349279). In addition, missense substitutions affecting cysteine residues within these domains are significantly overrepresented among patients with Marfan syndrome (PMID: 16571647, 17701892). This variant disrupts the p.Cys1687 amino acid residue in FBN1. Other variant(s) that disrupt this residue have been observed in individuals with FBN1-related conditions (PMID: 25652356, 36582279; internal data), which suggests that this may be a clinically significant amino acid residue. For these reasons, this variant has been classified as Pathogenic.

Literature cited by the submitters: PubMed 29848614; PubMed 34916231; PubMed 38190127; PubMed 16905551; PubMed 19349279; PubMed 16571647; PubMed 17701892; PubMed 25652356; PubMed 36582279.

NM_000138.5(FBN1):c.5060G>A (p.Cys1687Tyr)

Gene: FBN1 (fibrillin 1; minus strand). Cytogenetic location: 15q21.1.
Variant type: single nucleotide variant.
Coding change: c.5060G>A on transcript NM_000138.5 (MANE Select); coding-DNA position 5060, G replaced by A.
Protein change: p.Cys1687Tyr; replaces cysteine 1687 with tyrosine.
Molecular consequence: missense variant.
Genome position (GRCh38, 1-based): chr15:48,463,904, C>T on the plus strand (G>A on the coding strand, the complement: FBN1 is on the minus strand). VCF-style: chr15-48463904-C-T. GRCh37 (hg19) VCF-style: chr15-48756101-C-T.
Other names: c.5060G>A, p.Cys1687Tyr (NM_001406716.1); short protein forms C1687Y.
Identifiers: ClinVar variation 2927218 (VCV002927218.3), dbSNP rs2505493108, ClinGen allele CA392349518.